The following is an entry in ClinVar:

ClinVar aggregate classification (germline): Uncertain significance (1 of 4 stars; one submission).

Allele frequency attached by ClinVar (database versions not stated): gnomAD exomes below 0.00001; ESP Exome Variant Server 0.00008.
gnomAD v4.1: 3 of 1,603,562 alleles (0.00019%); highest among the groups gnomAD compares: Non-Finnish European, 0.00026%; no homozygotes.

Submission:

Labcorp Genetics (formerly Invitae), Labcorp
Classification: Uncertain significance. Last evaluated: 2024-11-11. Review status: criteria provided, single submitter. Criteria: Invitae Variant Classification Sherloc (09022015). Collection method: clinical testing. Allele origin: germline.
Comment: This sequence change replaces isoleucine, which is neutral and non-polar, with threonine, which is neutral and polar, at codon 54 of the RIPK1 protein (p.Ile54Thr). This variant is not present in population databases (gnomAD no frequency). This variant has not been reported in the literature in individuals affected with RIPK1-related conditions. ClinVar contains an entry for this variant (Variation ID: 2105213). An algorithm developed to predict the effect of missense changes on protein structure and function outputs the following: PolyPhen-2: "Benign". The threonine amino acid residue is found in multiple mammalian species, which suggests that this missense change does not adversely affect protein function. In summary, the available evidence is currently insufficient to determine the role of this variant in disease. Therefore, it has been classified as a Variant of Uncertain Significance.

NM_001354930.2(RIPK1):c.161T>C (p.Ile54Thr)

Gene: RIPK1 (receptor interacting serine/threonine kinase 1; plus strand). Cytogenetic location: 6p25.2.
Variant type: single nucleotide variant.
Coding change: c.161T>C on transcript NM_001354930.2 (MANE Select); coding-DNA position 161, T replaced by C.
Protein change: p.Ile54Thr; replaces isoleucine 54 with threonine.
Molecular consequence: missense variant. On other transcripts: 5 prime UTR variant (4).
Genome position (GRCh38, 1-based): chr6:3,076,984, T>C. VCF-style: chr6-3076984-T-C. GRCh37 (hg19) VCF-style: chr6-3077218-T-C.
Other names: c.-443T>C (NM_001317061.3, NM_001354932.2, NM_001354933.2 and 1 more transcripts); c.161T>C, p.Ile54Thr (NM_001354931.2, NM_003804.6); short protein forms I54T.
Identifiers: ClinVar variation 2105213 (VCV002105213.4), dbSNP rs371940675, ClinGen allele CA133470050.